The following is an entry in ClinVar:

NM_001009944.3(PKD1):c.1385+12del

Gene: PKD1 (polycystin 1, transient receptor potential channel interacting; minus strand). Cytogenetic location: 16p13.3.
Variant type: Deletion.
Coding change: c.1385+12del on transcript NM_001009944.3 (MANE Select); 12 bases into the intron after coding-DNA position 1385, one base deleted (C; older notation c.1385+12delC).
Molecular consequence: intron variant.
Genome position (GRCh38, 1-based): chr16:2,117,477, G deleted on the plus strand (C on the coding strand, the reverse complement: PKD1 is on the minus strand); the first of 5 consecutive G bases (chr16:2,117,477-2,117,481); deleting any one gives the same sequence. VCF-style (leftmost placement, unchanged base first): chr16-2117476-TG-T. GRCh37 (hg19) VCF-style: chr16-2167477-TG-T.
Other names: c.1385+12delC (NM_001009944.3); c.1385+12del (NM_000296.4).
Identifiers: ClinVar variation 997391 (VCV000997391.2), dbSNP rs1357257296, ClinGen allele CA718969648.

ClinVar aggregate classification (germline): Likely benign. Review status: criteria provided, single submitter (1 of 4 stars). 2 submissions from 2 submitters: Likely benign (1). 1 of the submissions does not count toward it. Last evaluated 2025-06-27.

Conditions:
Polycystic kidney disease. Also called: Polycystic kidney dysplasia; Kidney, Polycystic. Identifiers: MedGen C0022680, MeSH D007690, MONDO:0020642, HP:0000113.

Submissions (2):

Women's Health and Genetics/Laboratory Corporation of America, LabCorp
Classification: Likely benign. Last evaluated: 2025-06-27. Review status: criteria provided, single submitter. Criteria: LabCorp Variant Classification Summary - May 2015. Collection method: clinical testing. Allele origin: germline.
Comment: Variant summary: PKD1 c.1385+12delC alters a nucleotide located at a position not widely known to affect splicing. Consensus agreement among computation tools predict no significant impact on normal splicing. However, these predictions have yet to be confirmed by functional studies. The variant was absent in 81102 control chromosomes. The available data on variant occurrences in the general population are insufficient to allow any conclusion about variant significance. To our knowledge, no occurrence of c.1385+12delC in individuals affected with PKD1-related conditions and no experimental evidence demonstrating its impact on protein function have been reported. ClinVar contains an entry for this variant (Variation ID: 997391). Based on the evidence outlined above, the variant was classified as likely benign.

Department of Pathology and Laboratory Medicine, Sinai Health System
Classification: Uncertain significance for Polycystic Kidney disease. Review status: no assertion criteria provided. Collection method: clinical testing. Allele origin: unknown. Affected: yes. Study: The Canadian Open Genetics Repository (COGR). Not counted in ClinVar's aggregate classification.
Comment: The PKD1 c.1385+12del variant was not identified in the literature nor was it identified in the dbSNP, ClinVar, LOVD 3.0, ADPKD Mutation Database or PKD1-LOVD databases. The variant was not identified in the following control databases: the Exome Aggregation Consortium (August 8th 2016), or the Genome Aggregation Database (Feb 27, 2017). The variant occurs outside of the splicing consensus sequence and in silico or computational prediction software programs (SpliceSiteFinder, MaxEntScan, NNSPLICE, GeneSplicer) do not predict a difference in splicing. In summary, based on the above information the clinical significance of this variant cannot be determined with certainty at this time. This variant is classified as a variant of uncertain significance.